The following is an entry in ClinVar:

ClinVar aggregate classification (germline): Uncertain significance. Review status: criteria provided, multiple submitters, no conflicts (2 of 4 stars). 2 submissions from 2 submitters: Uncertain significance (2). Last evaluated 2024-10-23.

Conditions:
Stüve-Wiedemann syndrome 1. Also called: STUVE-WIEDEMANN/SCHWARTZ-JAMPEL TYPE 2 SYNDROME. Identifiers: Orphanet 3206, MedGen C5676888, MONDO:0800043, OMIM 601559.

Allele frequency attached by ClinVar (database versions not stated): ExAC 0.00002.
gnomAD v4.1: 50 of 1,613,924 alleles (0.0031%); highest among the groups gnomAD compares: South Asian, 0.016%; no homozygotes.

Submissions (2):

Labcorp Genetics (formerly Invitae), Labcorp
Classification: Uncertain significance. Last evaluated: 2024-10-23. Review status: criteria provided, single submitter. Criteria: Invitae Variant Classification Sherloc (09022015). Collection method: clinical testing. Allele origin: germline.
Comment: This sequence change replaces glutamic acid, which is acidic and polar, with lysine, which is basic and polar, at codon 233 of the LIFR protein (p.Glu233Lys). This variant is present in population databases (rs764460986, gnomAD 0.01%). This variant has not been reported in the literature in individuals affected with LIFR-related conditions. ClinVar contains an entry for this variant (Variation ID: 2150283). An algorithm developed to predict the effect of missense changes on protein structure and function outputs the following: PolyPhen-2: "Benign". The lysine amino acid residue is found in multiple mammalian species, which suggests that this missense change does not adversely affect protein function. In summary, the available evidence is currently insufficient to determine the role of this variant in disease. Therefore, it has been classified as a Variant of Uncertain Significance.

Fulgent Genetics
Classification: Uncertain significance for Stüve-Wiedemann syndrome 1. Last evaluated: 2024-01-09. Review status: criteria provided, single submitter. Criteria: ACMG Guidelines, 2015. Collection method: clinical testing. Allele origin: germline.

NM_001127671.2(LIFR):c.697G>A (p.Glu233Lys)

Gene: LIFR (LIF receptor subunit alpha; minus strand). Cytogenetic location: 5p13.1.
Variant type: single nucleotide variant.
Coding change: c.697G>A on transcript NM_001127671.2 (MANE Select); coding-DNA position 697, G replaced by A.
Protein change: p.Glu233Lys; replaces glutamic acid 233 with lysine.
Molecular consequence: missense variant.
Genome position (GRCh38, 1-based): chr5:38,511,829, C>T on the plus strand (G>A on the coding strand, the complement: LIFR is on the minus strand). VCF-style: chr5-38511829-C-T. GRCh37 (hg19) VCF-style: chr5-38511931-C-T.
Other names: c.697G>A, p.Glu233Lys (NM_001364297.2, NM_001364298.2, NM_002310.6); short protein forms E233K.
Identifiers: ClinVar variation 2150283 (VCV002150283.3), dbSNP rs764460986, ClinGen allele CA3243136.